The following is an entry in ClinVar:

NM_152564.5(VPS13B):c.8506T>G (p.Leu2836Val)

Gene: VPS13B (vacuolar protein sorting 13 homolog B; plus strand). Cytogenetic location: 8q22.2.
Variant type: single nucleotide variant.
Coding change: c.8506T>G on transcript NM_152564.5 (MANE Select); coding-DNA position 8506, T replaced by G.
Protein change: p.Leu2836Val; replaces leucine 2836 with valine.
Molecular consequence: missense variant.
Genome position (GRCh38, 1-based): chr8:99,818,773, T>G. VCF-style: chr8-99818773-T-G. GRCh37 (hg19) VCF-style: chr8-100831001-T-G.
Other names: c.8581T>G, p.Leu2861Val (NM_017890.5); short protein forms L2836V, L2861V.
Identifiers: ClinVar variation 1521501 (VCV001521501.3), dbSNP rs1476327965, ClinGen allele CA371774472.

ClinVar aggregate classification (germline): Uncertain significance (1 of 4 stars; one submission).

Conditions:
Cohen syndrome (COH1). Also called: PEPPER SYNDROME; Cutis verticis gyrata, retinitis pigmentosa, and sensorineural deafness. Identifiers: Orphanet 193, MedGen C0265223, MONDO:0008999, OMIM 216550.

Allele frequency attached by ClinVar (database versions not stated): gnomAD exomes below 0.00001; gnomAD 0.00001; TOPMed 0.00001.
gnomAD v4.1: 4 of 1,613,888 alleles (0.00025%); highest among the groups gnomAD compares: Non-Finnish European, 0.00034%; no homozygotes.

Submission:

Labcorp Genetics (formerly Invitae), Labcorp
Classification: Uncertain significance for Cohen syndrome. Last evaluated: 2022-07-11. Review status: criteria provided, single submitter. Criteria: Invitae Variant Classification Sherloc (09022015). Collection method: clinical testing. Allele origin: germline.
Comment: This sequence change replaces leucine, which is neutral and non-polar, with valine, which is neutral and non-polar, at codon 2861 of the VPS13B protein (p.Leu2861Val). This variant is present in population databases (no rsID available, gnomAD 0.0009%). This variant has not been reported in the literature in individuals affected with VPS13B-related conditions. ClinVar contains an entry for this variant (Variation ID: 1521501). Algorithms developed to predict the effect of missense changes on protein structure and function are either unavailable or do not agree on the potential impact of this missense change (SIFT: "Not Available"; PolyPhen-2: "Benign"; Align-GVGD: "Not Available"). In summary, the available evidence is currently insufficient to determine the role of this variant in disease. Therefore, it has been classified as a Variant of Uncertain Significance.